The following is an entry in ClinVar:

ClinVar aggregate classification (germline): Likely pathogenic (1 of 4 stars; one submission).

Submission:

Labcorp Genetics (formerly Invitae), Labcorp
Classification: Likely pathogenic. Last evaluated: 2023-04-17. Review status: criteria provided, single submitter. Criteria: Invitae Variant Classification Sherloc (09022015). Collection method: clinical testing. Allele origin: germline.
Comment: This sequence change affects a donor splice site in intron 17 of the MYSM1 gene. It is expected to disrupt RNA splicing. Variants that disrupt the donor or acceptor splice site typically lead to a loss of protein function (PMID: 16199547), and loss-of-function variants in MYSM1 are known to be pathogenic (PMID: 24288411, 28115216). This variant is not present in population databases (gnomAD no frequency). This variant has not been reported in the literature in individuals affected with MYSM1-related conditions. Algorithms developed to predict the effect of sequence changes on RNA splicing suggest that this variant may disrupt the consensus splice site. In summary, the currently available evidence indicates that the variant is pathogenic, but additional data are needed to prove that conclusively. Therefore, this variant has been classified as Likely Pathogenic.

Literature cited by the submitters: PubMed 16199547; PubMed 24288411; PubMed 28115216.

NM_001085487.3(MYSM1):c.2164+1G>C

Gene: MYSM1 (Myb like, SWIRM and MPN domains 1; minus strand). Cytogenetic location: 1p32.1.
Variant type: single nucleotide variant.
Coding change: c.2164+1G>C on transcript NM_001085487.3 (MANE Select); the canonical splice donor site of the intron after coding-DNA position 2164, G replaced by C.
Molecular consequence: splice donor variant.
Genome position (GRCh38, 1-based): chr1:58,665,498, C>G on the plus strand (G>C on the coding strand, the complement: MYSM1 is on the minus strand). VCF-style: chr1-58665498-C-G. GRCh37 (hg19) VCF-style: chr1-59131170-C-G.
Identifiers: ClinVar variation 2857013 (VCV002857013.3), dbSNP rs558614618, ClinGen allele CA340518493.